The following is an entry in ClinVar:

NM_020778.5(ALPK3):c.158G>C (p.Arg53Pro)

Gene: ALPK3 (alpha kinase 3; plus strand). Cytogenetic location: 15q25.3.
Variant type: single nucleotide variant.
Coding change: c.158G>C on transcript NM_020778.5 (MANE Select); coding-DNA position 158, G replaced by C.
Protein change: p.Arg53Pro; replaces arginine 53 with proline.
Molecular consequence: missense variant.
Genome position (GRCh38, 1-based): chr15:84,823,344, G>C. VCF-style: chr15-84823344-G-C. GRCh37 (hg19) VCF-style: chr15-85366575-G-C.
Other names: short protein forms R53P.
Identifiers: ClinVar variation 4778945 (VCV004778945.1).

ClinVar aggregate classification (germline): Uncertain significance (1 of 4 stars; one submission).

Submission:

Labcorp Genetics (formerly Invitae), Labcorp
Classification: Uncertain significance. Last evaluated: 2026-01-24. Review status: criteria provided, single submitter. Criteria: Invitae Variant Classification Sherloc (09022015). Collection method: clinical testing. Allele origin: germline.
Comment: This sequence change replaces arginine, which is basic and polar, with proline, which is neutral and non-polar, at codon 255 of the ALPK3 protein (p.Arg255Pro). This variant is not present in population databases (gnomAD no frequency). This variant has not been reported in the literature in individuals affected with ALPK3-related conditions. An algorithm developed to predict the effect of missense changes on protein structure and function (PolyPhen-2) suggests that this variant is likely to be disruptive. In summary, the available evidence is currently insufficient to determine the role of this variant in disease. Therefore, it has been classified as a Variant of Uncertain Significance.